The following is an entry in ClinVar:

NM_016030.6(TRAPPC12):c.173_174del (p.Leu58fs)

Gene: TRAPPC12 (trafficking protein particle complex subunit 12; plus strand). Cytogenetic location: 2p25.3.
Variant type: Microsatellite.
Coding change: c.173_174del on transcript NM_016030.6 (MANE Select); coding-DNA positions 173 to 174, 2 bases deleted (TC; older notation c.173_174delTC).
Protein change: p.Leu58fs; shifts the reading frame from leucine 58.
Molecular consequence: frameshift variant.
Genome position (GRCh38, 1-based): chr2:3,387,796-3,387,797, TC deleted; deleting any 2 consecutive bases within chr2:3,387,793-3,387,797 gives the same sequence; the c. name uses the placement nearest the transcript's 3' end. VCF-style (leftmost placement, unchanged base first): chr2-3387792-CCT-C. GRCh37 (hg19) VCF-style: chr2-3391563-CCT-C.
Other names: c.173_174del, p.Leu58fs (NM_001321102.2); short protein forms L58fs.
Identifiers: ClinVar variation 4850992 (VCV004850992.1).

ClinVar aggregate classification (germline): Pathogenic (1 of 4 stars; one submission).

Conditions:
Early-onset progressive encephalopathy-hearing loss-pons hypoplasia-brain atrophy syndrome. Also called: ENCEPHALOPATHY, PROGRESSIVE, EARLY-ONSET, WITH BRAIN ATROPHY AND SPASTICITY. Identifiers: Orphanet 500144, MedGen C5567229, MONDO:0044696, OMIM 617669.

Submission:

Department of Clinical Genetics, Tokyo Metropolitan Children's Medical Center
Classification: Pathogenic for Early-onset progressive encephalopathy-hearing loss-pons hypoplasia-brain atrophy syndrome. Last evaluated: 2026-05-16. Review status: criteria provided, single submitter. Criteria: ACMG Guidelines, 2015. Collection method: research. Allele origin: paternal, maternal. Inheritance: Autosomal recessive inheritance. Affected: yes. Observed: 2 variant alleles, 2 compound heterozygotes. Clinical features observed: Microcephaly, Severe global developmental delay, Seizure, Hypoplasia of the pons, Thin corpus callosum, Diffuse cerebral atrophy.
Comment: This exon 2 TRAPPC12 variant is predicted to cause a frameshift and premature translation termination, p.(Leu58ArgfsTer16), likely resulting in nonsense-mediated mRNA decay. Biallelic loss-of-function variants in TRAPPC12 have been reported to cause TRAPPC12-related disorder (PMID: 28777934). The variant is extremely rare in population databases, with an allele frequency of 0.0000006198 in gnomAD v4.1.0. To our knowledge, it has not previously been reported in affected individuals. No experimental functional evidence has been reported. Based on the available evidence, this variant was classified as Pathogenic.

Literature cited by the submitters: PubMed 28777934.